The following is an entry in ClinVar:

ClinVar aggregate classification (germline): Pathogenic/Likely pathogenic. Review status: criteria provided, multiple submitters, no conflicts (2 of 4 stars). 17 submissions from 17 submitters: Pathogenic (13); Likely pathogenic (3). 1 of the submissions does not count toward it. Last evaluated 2026-01-19.

Conditions:
RHOBTB2-related disorder. Also called: RHOBTB2-related condition.
Seizure. Also called: Seizures. Identifiers: MedGen C0036572, HP:0001250.
Developmental and epileptic encephalopathy, 64. Also called: EPILEPTIC ENCEPHALOPATHY, EARLY INFANTILE, 64. Identifiers: MedGen C4693899, MONDO:0033373, OMIM 618004.
Inborn genetic diseases. Identifiers: MedGen C0950123, MeSH D030342.

Submissions (17):

3billion
Classification: Pathogenic for Developmental and epileptic encephalopathy, 64. Last evaluated: 2026-01-19. Review status: criteria provided, single submitter. Criteria: ACMG Guidelines, 2015. Collection method: clinical testing. Allele origin: germline. Affected: yes.
Comment: The variant is not observed in the gnomAD v4.1.0 dataset. Predicted Consequence/Location: Missense variant. Missense changes are a common disease-causing mechanism. The same nucleotide change resulting in the same amino acid change has been previously reported as pathogenic/likely pathogenic with strong evidence (ClinVar ID: VCV000545417 /PMID: 28856709). The variant has been previously reported as de novo in a similarly affected individual (PMID: 28856709, 29276004). A different missense change at the same codon (p.Arg461Pro) has been reported to be associated with RHOBTB2-related disorder (ClinVar ID: VCV001515448 /3billion dataset). Therefore, this variant is classified as Pathogenic according to the recommendation of ACMG/AMP guideline.

CeGaT Center for Human Genetics Tuebingen
Classification: Pathogenic. Last evaluated: 2025-04-01. Review status: criteria provided, single submitter. Criteria: CeGaT Center For Human Genetics Tuebingen Variant Classification Criteria Version 2. Collection method: clinical testing. Allele origin: germline. Affected: yes. Observed: 1 variant allele.
Comment: RHOBTB2: PS2, PS4, PM1, PM2, PP2, PS3:Supporting

Cytogénomique, Hospices Civils de Lyon
Classification: Pathogenic for Seizure. Last evaluated: 2025-02-17. Review status: criteria provided, single submitter. Criteria: ACMG Guidelines, 2015. Collection method: clinical testing. Allele origin: unknown. Affected: yes.

Blueprint Genetics
Classification: Pathogenic for RHOBTB2-related disorders. Last evaluated: 2024-05-29. Review status: criteria provided, single submitter. Criteria: ACMG Guidelines, 2015. Collection method: clinical testing. Allele origin: germline. Affected: yes. Observed: 1 variant allele.

Revvity Omics, Revvity
Classification: Pathogenic for Developmental and epileptic encephalopathy, 64. Last evaluated: 2024-01-31. Review status: criteria provided, single submitter. Criteria: ACMG Guidelines, 2015. Collection method: clinical testing. Allele origin: germline.

Labcorp Genetics (formerly Invitae), Labcorp
Classification: Pathogenic. Last evaluated: 2023-06-05. Review status: criteria provided, single submitter. Criteria: Invitae Variant Classification Sherloc (09022015). Collection method: clinical testing. Allele origin: germline.
Comment: This sequence change replaces arginine, which is basic and polar, with histidine, which is basic and polar, at codon 483 of the RHOBTB2 protein (p.Arg483His). This variant is not present in population databases (gnomAD no frequency). This missense change has been observed in individual(s) with RHOBTB2-related conditions (PMID: 28856709, 29276004). In at least one individual the variant was observed to be de novo. ClinVar contains an entry for this variant (Variation ID: 545417). Advanced modeling of protein sequence and biophysical properties (such as structural, functional, and spatial information, amino acid conservation, physicochemical variation, residue mobility, and thermodynamic stability) has been performed at Invitae for this missense variant, however the output from this modeling did not meet the statistical confidence thresholds required to predict the impact of this variant on RHOBTB2 protein function. Experimental studies have shown that this missense change affects RHOBTB2 function (PMID: 29276004). For these reasons, this variant has been classified as Pathogenic.

GeneDx
Classification: Pathogenic. Last evaluated: 2023-05-16. Review status: criteria provided, single submitter. Criteria: GeneDx Variant Classification Process June 2021. Collection method: clinical testing. Allele origin: germline. Affected: yes.
Comment: Not observed in large population cohorts (gnomAD); In silico analysis supports that this missense variant does not alter protein structure/function; This variant is associated with the following publications: (PMID: 28856709, 33098801, 33619735, 32653842, 29276004, 29768694, 32337345, 35872528, 35586607, 35231114, 34356170, 31957018)

Institute of Human Genetics, Clinical Exome/Genome Diagnostics Group, University Hospital Bonn
Classification: Pathogenic for Developmental and epileptic encephalopathy, 64. Last evaluated: 2022-11-23. Review status: criteria provided, single submitter. Criteria: ACMG Guidelines, 2015. Collection method: clinical testing. Allele origin: de novo. Affected: yes.

MGZ Medical Genetics Center
Classification: Likely pathogenic for Developmental and epileptic encephalopathy, 64. Last evaluated: 2021-08-18. Review status: criteria provided, single submitter. Criteria: ACMG Guidelines, 2015. Collection method: clinical testing. Allele origin: germline. Affected: yes. Observed: 1 variant allele.
Comment: ACMG criteria applied: PS2, PS4_MOD, PM2_SUP

Victorian Clinical Genetics Services, Murdoch Childrens Research Institute
Classification: Pathogenic for Developmental and epileptic encephalopathy, 64. Last evaluated: 2021-05-06. Review status: criteria provided, single submitter. Criteria: ACMG Guidelines, 2015. Collection method: clinical testing. Allele origin: germline. Inheritance: Autosomal dominant inheritance. Affected: yes.
Comment: Based on the classification scheme VCGS_Germline_v1.3.4, this variant is classified as Pathogenic. Following criteria are met: 0101 - Gain of function is a known mechanism of disease in this gene and is associated with developmental and epileptic encephalopathy 64 (MIM#618004). (I) 0107 - This gene is associated with autosomal dominant disease. (I) 0200 - Variant is predicted to result in a missense amino acid change from arginine to histidine. (I) 0251 - This variant is heterozygous. (I) 0301 - Variant is absent from gnomAD (both v2 and v3). (SP) 0502 - Missense variant with conflicting in silico predictions and uninformative conservation. (I) 0603 - Missense variant in a region that is highly intolerant to missense variation (high constraint region in DECIPHER) in the first BTB domain (PMID: 29276004). (I) 0801 - This variant has strong previous evidence of pathogenicity in unrelated individuals. This is a recurrent pathogenic variant (often referred to as p.(Arg483His) in an alternative transcript) that has previously been identified in multiple de novo individuals with developmental and epileptic encephalopathy 64 (MIM#618004) (ClinVar, DECIPHER, PMID: 29276004). (SP) 1102 - Strong phenotype match for this individual. (SP) Legend: (SP) - Supporting pathogenic, (I) - Information, (SB) - Supporting benign

Institute of Medical Genetics and Applied Genomics, University Hospital Tübingen
Classification: Pathogenic. Last evaluated: 2020-10-23. Review status: criteria provided, single submitter. Criteria: ACMG Guidelines, 2015. Collection method: clinical testing. Allele origin: germline. Inheritance: Unknown mechanism. Affected: yes.

Institute of Human Genetics Munich, TUM University Hospital
Classification: Pathogenic for Developmental and epileptic encephalopathy, 64. Last evaluated: 2019-10-18. Review status: criteria provided, single submitter. Criteria: Classification criteria August 2017. Collection method: clinical testing. Allele origin: de novo. Inheritance: Autosomal dominant inheritance. Affected: yes. Observed: 1 heterozygote.

Undiagnosed Diseases Network, NIH
Classification: Likely pathogenic for Developmental and epileptic encephalopathy, 64. Last evaluated: 2018-12-03. Review status: criteria provided, single submitter. Criteria: ACMG Guidelines, 2015. Collection method: clinical testing. Allele origin: de novo. Inheritance: Autosomal dominant inheritance. Affected: yes. Observed: 1 variant allele, 1 heterozygote.

SIB Swiss Institute of Bioinformatics
Classification: Pathogenic for Developmental and epileptic encephalopathy, 64. Last evaluated: 2018-10-15. Review status: criteria provided, single submitter. Criteria: ACMG Guidelines, 2015. Collection method: curation. Allele origin: unknown.
Comment: This variant is interpreted as Pathogenic, for Epileptic encephalopathy, early infantile, 64, autosomal dominant. The following ACMG Tag(s) were applied: PP3 => Multiple lines of computational evidence support a deleterious effect on the gene or gene product. PS3-Moderate => PS3 downgraded in strength to Moderate (PubMed 29276004). PM2 => Absent from controls (or at extremely low frequency if recessive) in Exome Sequencing Project, 1000 Genomes Project, or Exome Aggregation Consortium. PS4-Moderate => PS4 downgraded in strength to Moderate (PubMed 29276004) (PubMed 29768694). PS2 => De novo (paternity and maternity confirmed) (PubMed 29276004) (PubMed 29768694).

Ambry Genetics
Classification: Likely pathogenic for Inborn genetic diseases. Last evaluated: 2018-01-04. Review status: criteria provided, single submitter. Criteria: Ambry exome assertion method (8-5-2015). Collection method: clinical testing. Allele origin: germline. Affected: yes. Observed: 1 variant allele.

Neuberg Centre For Genomic Medicine, NCGM
Classification: Pathogenic for Developmental and epileptic encephalopathy, 64. Review status: criteria provided, single submitter. Criteria: ACMG Guidelines, 2015. Collection method: clinical testing. Allele origin: germline. Inheritance: Autosomal dominant inheritance. Affected: yes.
Comment: The missense c.1382G>Ap.Arg461His variant in RHOBTB2 gene has been reported previously in heterozygous state in individuals affected with Developmental and Epileptic Encephalopathy Straub J et al., 2018. Experimental studies have shown that this missense change affects RHOBTB2 function Straub J et al., 2018. This variant is novel not in any individuals in gnomAD Exomes and 1000 Genomes. This variant has been reported to the ClinVar database as Likely Pathogenic / Pathogenic multiple submitters. The amino acid Arg at position 461 is changed to a His changing protein sequence and it might alter its composition and physico-chemical properties. The amino acid change p.Arg461His in RHOBTB2 is predicted as conserved by GERP++ and PhyloP across 100 vertebrates. The variant is predicted as damaging by SIFT. For these reasons, this variant has been classified as Pathogenic.

OMIM
Classification: Pathogenic for DEVELOPMENTAL AND EPILEPTIC ENCEPHALOPATHY 64. Last evaluated: 2020-11-17. Review status: no assertion criteria provided. Collection method: literature only. Allele origin: germline. Not counted in ClinVar's aggregate classification.

Literature cited by the submitters: PubMed 28856709 (cited by 3billion and Labcorp Genetics (formerly Invitae), Labcorp); PubMed 29276004 (cited by 6 submitters); PubMed 29768694 (cited by SIB Swiss Institute of Bioinformatics); PubMed 18298893 (cited by Ambry Genetics).

NM_015178.3(RHOBTB2):c.1382G>A (p.Arg461His)

Gene: RHOBTB2 (Rho related BTB domain containing 2; plus strand). Cytogenetic location: 8p21.3.
Variant type: single nucleotide variant.
Coding change: c.1382G>A on transcript NM_015178.3 (MANE Select); coding-DNA position 1382, G replaced by A.
Protein change: p.Arg461His; replaces arginine 461 with histidine.
Molecular consequence: missense variant.
Genome position (GRCh38, 1-based): chr8:23,007,627, G>A. VCF-style: chr8-23007627-G-A. GRCh37 (hg19) VCF-style: chr8-22865140-G-A.
Other names: c.1382G>A (NM_015178.2); c.1448G>A, p.Arg483His (NM_001160036.2); c.1403G>A, p.Arg468His (NM_001160037.2); c.1382G>A, p.Arg461His (NM_001374791.1); short protein forms R483H, R461H, R468H.
Identifiers: ClinVar variation 545417 (VCV000545417.33), dbSNP rs1554504663, ClinGen allele CA370568813.
Genomic context (GRCh38, chr8:23,007,627, plus strand): 5'-ACGAGCGTGACCTCATGCACATTGCCCACATTGCTGAGCTGCTCGAGGTCTTTGATCTGC[G>A]CATGATGGTGGCCAACATTCTCAACAATGAGGCCTTCATGAACCAGGAGATCACCAAGGC-3'
Protein context (NP_055993.2, residues 451-471): IAELLEVFDL[Arg461His]MMVANILNNE